The following is an entry in ClinVar:

ClinVar aggregate classification (germline): Conflicting classifications of pathogenicity. Review status: criteria provided, conflicting classifications (1 of 4 stars). 3 submissions from 3 submitters: Likely pathogenic (2); Uncertain significance (1). Last evaluated 2024-10-29.

Conditions:
Gamma-glutamylcysteine synthetase deficiency (CNSHA7). Also called: ANEMIA, CONGENITAL, NONSPHEROCYTIC HEMOLYTIC, 7. Identifiers: Orphanet 33574, MedGen C1856603, MONDO:0009259, OMIM 230450.
GCLC-related disorder. Also called: GCLC-related condition.

Submissions (3):

PreventionGenetics, part of Exact Sciences
Classification: Likely pathogenic for GCLC-related condition. Last evaluated: 2024-10-29. Review status: criteria provided, single submitter. Criteria: ACMG Guidelines, 2015. Collection method: clinical testing. Allele origin: germline.
Comment: The GCLC c.514T>A variant is predicted to result in the amino acid substitution p.Ser172Thr. This variant was observed to segregate with disease in the homozygous state in 3 siblings affected with neonatal jaundice and hemolytic anemia (Almusafri et al. 2017. PubMed ID: 28571779) and in another patient affected with non-immune hemolytic anemia (Supplementary Tables 1 and 3 in Al-Dewik et al. 2019. PubMed ID: 30919572). This variant has not been reported in a large population database (gnomAD), indicating this variant is rare. Based on the available evidence, this variant is interpreted as likely pathogenic.

Genomic Medicine Center of Excellence, King Faisal Specialist Hospital and Research Centre
Classification: Uncertain significance for Gamma-glutamylcysteine synthetase deficiency. Last evaluated: 2024-03-29. Review status: criteria provided, single submitter. Criteria: ACMG Guidelines, 2015. Collection method: clinical testing. Allele origin: germline.

GeneDx
Classification: Likely pathogenic. Last evaluated: 2021-10-18. Review status: criteria provided, single submitter. Criteria: GeneDx Variant Classification Process June 2021. Collection method: clinical testing. Allele origin: germline. Affected: yes.
Comment: Not observed at significant frequency in large population cohorts (Lek et al., 2016); In silico analysis supports that this missense variant has a deleterious effect on protein structure/function; This variant is associated with the following publications: (PMID: 30919572, 28571779)

NM_001498.4(GCLC):c.514T>A (p.Ser172Thr)

Gene: GCLC (glutamate-cysteine ligase catalytic subunit; minus strand). Cytogenetic location: 6p12.1.
Variant type: single nucleotide variant.
Coding change: c.514T>A on transcript NM_001498.4 (MANE Select); coding-DNA position 514, T replaced by A.
Protein change: p.Ser172Thr; replaces serine 172 with threonine.
Molecular consequence: missense variant. On other transcripts: intron variant (1).
Genome position (GRCh38, 1-based): chr6:53,516,155, A>T on the plus strand (T>A on the coding strand, the complement: GCLC is on the minus strand). VCF-style: chr6-53516155-A-T. GRCh37 (hg19) VCF-style: chr6-53380953-A-T.
Other names: c.447-1658T>A (NM_001197115.2); c.514T>A, p.Ser172Thr (LRG_1166t1); short protein forms S172T.
Identifiers: ClinVar variation 546080 (VCV000546080.6), dbSNP rs1554152412, ClinGen allele CA364477307.
Genomic context (GRCh38, chr6:53,516,155, plus strand): 5'-AAAGCCATACTCACCTGAAGCGAGGGTGCTTGTTTATTGCTTCATCTGGAAAGAAGAGGG[A>T]CTTGGAAGCTCCTCCTTCCACTGGGTTGGGTTTGACCTCGGGCAGTGTGAACCCAGGACA-3'
Protein context (NP_001489.1, residues 162-182): PNPVEGGASK[Ser172Thr]LFFPDEAINK